The following is an entry in ClinVar:

NM_017934.7(PHIP):c.2067A>C (p.Leu689=)

Gene: PHIP (PHIP subunit of CUL4-Ring ligase complex; minus strand). Cytogenetic location: 6q14.1.
Variant type: single nucleotide variant.
Coding change: c.2067A>C on transcript NM_017934.7 (MANE Select); coding-DNA position 2067, A replaced by C.
Protein change: p.Leu689=; no amino-acid change (leucine 689 retained).
Molecular consequence: synonymous variant.
Genome position (GRCh38, 1-based): chr6:78,997,548, T>G on the plus strand (A>C on the coding strand, the complement: PHIP is on the minus strand). VCF-style: chr6-78997548-T-G. GRCh37 (hg19) VCF-style: chr6-79707265-T-G.
Identifiers: ClinVar variation 4994560 (VCV004994560.1).

ClinVar aggregate classification (germline): Likely benign (1 of 4 stars; one submission).

Conditions:
PHIP-related disorder. Also called: PHIP-related disorders; PHIP-related condition.

Submission:

PreventionGenetics, part of Exact Sciences
Classification: Likely benign for PHIP-related condition. Last evaluated: 2026-09-04. Review status: criteria provided, single submitter. Criteria: ACMG Guidelines, 2015. Collection method: clinical testing. Allele origin: germline.
Comment: This variant is classified as likely benign based on ACMG/AMP sequence variant interpretation guidelines (Richards et al. 2015 PMID: 25741868, with internal and published modifications).